The following is an entry in ClinVar:

ClinVar aggregate classification (germline): Uncertain significance (1 of 4 stars; one submission).

Conditions:
Focal segmental glomerulosclerosis 5 (FSGS5). Identifiers: Orphanet 656, MedGen C2750475, MONDO:0013191, OMIM 613237.
Charcot-Marie-Tooth disease dominant intermediate E. Also called: CHARCOT-MARIE-TOOTH NEUROPATHY WITH FOCAL SEGMENTAL GLOMERULONEPHRITIS. Identifiers: Orphanet 93114, MedGen C4302667, MONDO:0013758, OMIM 614455.

Submission:

Labcorp Genetics (formerly Invitae), Labcorp
Classification: Uncertain significance for Charcot-Marie-Tooth disease dominant intermediate E; Focal segmental glomerulosclerosis 5. Last evaluated: 2020-10-26. Review status: criteria provided, single submitter. Criteria: Invitae Variant Classification Sherloc (09022015). Collection method: clinical testing. Allele origin: germline.
Comment: In summary, the available evidence is currently insufficient to determine the role of this variant in disease. Therefore, it has been classified as a Variant of Uncertain Significance. Experimental studies and prediction algorithms are not available or were not evaluated, and the functional significance of this variant is currently unknown. The frequency data for this variant in the population databases is considered unreliable, as metrics indicate insufficient coverage at this position in the ExAC database. This variant has not been reported in the literature in individuals with INF2-related conditions. This variant, c.320_322del, results in the deletion of 1 amino acid(s) of the INF2 protein (p.Ala107del), but otherwise preserves the integrity of the reading frame.

NM_022489.4(INF2):c.320_322del (p.Ala107del)

Gene: INF2 (inverted formin 2; plus strand). Cytogenetic location: 14q32.33.
Variant type: Deletion.
Coding change: c.320_322del on transcript NM_022489.4 (MANE Select); coding-DNA positions 320 to 322, 3 bases deleted (CCG; older notation c.320_322delCCG).
Protein change: p.Ala107del; deletes alanine 107.
Molecular consequence: inframe deletion.
Genome position (GRCh38, 1-based): chr14:104,701,685-104,701,687, CCG deleted; deleting any 3 consecutive bases within chr14:104,701,683-104,701,687 gives the same sequence; the c. name uses the placement nearest the transcript's 3' end. VCF-style (leftmost placement, unchanged base first): chr14-104701682-GCGC-G. GRCh37 (hg19) VCF-style: chr14-105168019-GCGC-G.
Other names: c.320_322del, p.Ala107del (NM_001031714.4, NM_032714.3); short protein forms A107del.
Identifiers: ClinVar variation 1006259 (VCV001006259.8), dbSNP rs1889509458, ClinGen allele CA2160924750.